The following is an entry in ClinVar:

NM_001384140.1(PCDH15):c.3983+1G>T

Gene: PCDH15 (protocadherin related 15; minus strand). Cytogenetic location: 10q21.1.
Variant type: single nucleotide variant.
Coding change: c.3983+1G>T on transcript NM_001384140.1 (MANE Select); the canonical splice donor site of the intron after coding-DNA position 3983, G replaced by T.
Molecular consequence: splice donor variant.
Genome position (GRCh38, 1-based): chr10:53,840,319, C>A on the plus strand (G>T on the coding strand, the complement: PCDH15 is on the minus strand). VCF-style: chr10-53840319-C-A. GRCh37 (hg19) VCF-style: chr10-55600079-C-A.
Other names: c.3983+1G>T (NM_001354420.2, NM_001354429.2, NM_001142772.2 and 4 more transcripts); c.3998+1G>T (NM_001142771.2, NM_001142763.2); c.4004+1G>T (NM_001354411.2); c.4019+1G>T (NM_001142769.3); c.3917+1G>T (NM_001354404.2, NM_001142773.2, NM_001142768.2); c.3872+1G>T (NM_001142767.2); c.3770+1G>T (NM_001142765.2).
Identifiers: ClinVar variation 370764 (VCV000370764.18), dbSNP rs758921360, ClinGen allele CA5505501.

ClinVar aggregate classification (germline): Pathogenic/Likely pathogenic. Review status: criteria provided, multiple submitters, no conflicts (2 of 4 stars). 8 submissions from 8 submitters: Pathogenic (3); Likely pathogenic (3). 2 of the submissions do not count toward it. Last evaluated 2025-12-01.

Conditions:
Retinal dystrophy. Also called: Inherited retinal dystrophy. Identifiers: Orphanet 71862, MedGen C0854723, MeSH D058499, MONDO:0019118, HP:0000556.
Usher syndrome type 1F (USH1F). Also called: USHER SYNDROME, TYPE IF. Identifiers: Orphanet 231169, Orphanet 886, MedGen C1865885, MONDO:0011186, OMIM 602083.
PCDH15-related disorder. Also called: PCDH15-related disorders; PCDH15-related condition.

Allele frequency attached by ClinVar (database versions not stated): gnomAD exomes 0.00001; ExAC 0.00001.
gnomAD v4.1: 3 of 1,613,950 alleles (0.00019%); highest among the groups gnomAD compares: Non-Finnish European, 0.00025%; no homozygotes.

Submissions (8):

Natera, Inc.
Classification: Likely pathogenic for Usher syndrome type 1F. Last evaluated: 2025-12-01. Review status: criteria provided, single submitter. Criteria: Natera Variant Classification Schema (03/2026). Collection method: clinical testing. Allele origin: germline.
Comment: The c.3983+1G>T variant in PCDH15 is a canonical splice donor site variant predicted to affect pre-mRNA splicing, which may result in an abnormal transcript and altered protein product. This variant may result in a truncated or dysfunctional protein product. This variant is rare in the general population with a frequency below the threshold expected for the associated phenotype(s). This variant has been observed in one or more individuals affected with the associated recessive disease, as either homozygous or compound heterozygous with a second variant (PMID: 25575603, 28984810, 39462066). Given the available evidence, this variant is classified as Likely Pathogenic.

PreventionGenetics, part of Exact Sciences
Classification: Likely pathogenic for PCDH15-related condition. Last evaluated: 2024-11-05. Review status: criteria provided, single submitter. Criteria: ACMG Guidelines, 2015. Collection method: clinical testing. Allele origin: germline.
Comment: The PCDH15 c.3983+1G>T variant is predicted to disrupt the GT donor site and interfere with normal splicing. This variant has been reported in the compound heterozygous state in two individuals with Usher syndrome type 1 (described as IVS30+1G>T on NM_0011442765 in Lenarduzzi et al. 2015. PubMed ID: 25575603; referred to as c.3998+1G>T on NM_001142771 in Plevova et al. 2017. PubMed ID: 28984810). This variant is reported in 0.0026% of alleles in individuals of European (Non-Finnish) descent in gnomAD. Variants that disrupt the consensus splice donor site in PCDH15 are expected to be pathogenic. This variant is interpreted as likely pathogenic.

Broad Center for Mendelian Genomics, Broad Institute of MIT and Harvard
Classification: Pathogenic for Usher syndrome type 1F. Last evaluated: 2023-01-24. Review status: criteria provided, single submitter. Criteria: ACMG Guidelines, 2015. Collection method: curation. Allele origin: germline. Inheritance: Autosomal recessive inheritance.
Comment: The c.3983+1G>T variant in PCDH15 has been reported in 3 individuals with Usher syndrome type 1F (PMID: 25575603, 28984810, Kamenarova 2020) and has been identified in 0.003% (3/113732) of European (non-Finnish) chromosomes by the Genome Aggregation Database (gnomAD; dbSNP ID: rs758921360). Although this variant has been seen in the general population in a heterozygous state, its frequency is low enough to be consistent with a recessive carrier frequency. This variant has also been reported in ClinVar (Variation ID#: 370764) and has been interpreted as pathogenic or likely pathogenic by Invitae, Institute of Medical Genetics and Applied Genomics (University Hospital T√ºbingen), and Counsyl. Of the 3 affected individuals, 1 of those was a homozygote, and 2 were compound heterozygotes that carried reported likely pathogenic variants in trans and with unknown phase, which increases the likelihood that the c.3983+1G>T variant is pathogenic (VariationID: 370113; PMID: 25575603, 28984810, Kamenarova 2020). This variant is located in the 3' splice region. Computational tools predict a splicing impact through intron retention, though this information is not predictive enough to determine pathogenicity. In summary, this variant meets criteria to be classified as pathogenic for autosomal recessive Usher syndrome type 1F. ACMG/AMP Criteria applied: PVS1, PM3, PM2_supporting (Richards 2015).

Labcorp Genetics (formerly Invitae), Labcorp
Classification: Pathogenic. Last evaluated: 2022-02-04. Review status: criteria provided, single submitter. Criteria: Invitae Variant Classification Sherloc (09022015). Collection method: clinical testing. Allele origin: germline.
Comment: Disruption of this splice site has been observed in individual(s) with Usher syndrome and profound hearing loss (PMID: 25575603, 28984810). In at least one individual the data is consistent with being in trans (on the opposite chromosome) from a pathogenic variant. For these reasons, this variant has been classified as Pathogenic. Algorithms developed to predict the effect of sequence changes on RNA splicing suggest that this variant may disrupt the consensus splice site. ClinVar contains an entry for this variant (Variation ID: 370764). This variant is also known as IVS30+1G>T and c.3998+1G>T. This variant is present in population databases (rs758921360, gnomAD 0.003%). This sequence change affects a donor splice site in intron 29 of the PCDH15 gene. It is expected to disrupt RNA splicing. Variants that disrupt the donor or acceptor splice site typically lead to a loss of protein function (PMID: 16199547), and loss-of-function variants in PCDH15 are known to be pathogenic (PMID: 11398101, 11487575, 14570705).

Institute of Medical Genetics and Applied Genomics, University Hospital Tübingen
Classification: Likely pathogenic. Last evaluated: 2020-10-23. Review status: criteria provided, single submitter. Criteria: ACMG Guidelines, 2015. Collection method: clinical testing. Allele origin: germline. Inheritance: Unknown mechanism. Affected: yes.

Blueprint Genetics
Classification: Pathogenic for PCDH15-related disorders. Last evaluated: 2019-01-23. Review status: criteria provided, single submitter. Criteria: ACMG Guidelines, 2015. Collection method: clinical testing. Allele origin: germline. Affected: yes. Observed: 5 variant alleles.

Institute of Human Genetics, Univ. Regensburg, Univ. Regensburg
Classification: Pathogenic for Retinal dystrophy. Last evaluated: 2021-01-01. Review status: no assertion criteria provided. Criteria: ACMG Guidelines, 2015. Collection method: clinical testing. Allele origin: germline. Affected: yes. Not counted in ClinVar's aggregate classification.

Counsyl
Classification: Likely pathogenic for Usher syndrome type 1F. Last evaluated: 2016-04-08. Review status: no assertion criteria provided. Collection method: clinical testing. Allele origin: unknown. Not counted in ClinVar's aggregate classification.

Literature cited by the submitters: PubMed 25575603 (cited by 3 submitters); PubMed 28984810 (cited by Natera, Inc. and Labcorp Genetics (formerly Invitae), Labcorp); PubMed 39462066 (cited by Natera, Inc.); PubMed 16199547 (cited by Labcorp Genetics (formerly Invitae), Labcorp); PubMed 11398101 (cited by Labcorp Genetics (formerly Invitae), Labcorp); PubMed 11487575 (cited by Labcorp Genetics (formerly Invitae), Labcorp); PubMed 14570705 (cited by Labcorp Genetics (formerly Invitae), Labcorp).